The following is an entry in ClinVar:

ClinVar aggregate classification (germline): Likely benign. Review status: criteria provided, multiple submitters, no conflicts (2 of 4 stars). 3 submissions from 3 submitters: Likely benign (2). 1 of the submissions does not count toward it. Last evaluated 2026-01-15.

Conditions:
ITGB2-related disorder. Also called: ITGB2-related condition.
Leukocyte adhesion deficiency 1 (LAD1). Also called: LEUKOCYTE ADHESION DEFICIENCY, TYPE I; LAD 1; Lymphocyte function-associated antigen 1 immunodeficiency; LFA 1 immunodeficiency. Identifiers: Orphanet 2968, Orphanet 99842, MedGen C0398738, MONDO:0007293, OMIM 116920.

Allele frequency attached by ClinVar (database versions not stated): ExAC 0.00004; gnomAD 0.00006 and 0.00009; gnomAD exomes 0.00006; TOPMed 0.00012.
gnomAD v4.1: 103 of 1,613,352 alleles (0.0064%); highest among the groups gnomAD compares: Middle Eastern, 0.016%; no homozygotes.

Submissions (3):

Labcorp Genetics (formerly Invitae), Labcorp
Classification: Likely benign for Leukocyte adhesion deficiency 1. Last evaluated: 2026-01-15. Review status: criteria provided, single submitter. Criteria: Invitae Variant Classification Sherloc (09022015). Collection method: clinical testing. Allele origin: germline.

Blueprint Genetics
Classification: Likely benign. Last evaluated: 2023-11-15. Review status: criteria provided, single submitter. Criteria: ACMG Guidelines, 2015. Collection method: clinical testing. Allele origin: germline.

PreventionGenetics, part of Exact Sciences
Classification: Likely benign for ITGB2-related condition. Last evaluated: 2019-05-13. Review status: no assertion criteria provided. Collection method: clinical testing. Allele origin: germline. Not counted in ClinVar's aggregate classification.
Comment: This variant is classified as likely benign based on ACMG/AMP sequence variant interpretation guidelines (Richards et al. 2015 PMID: 25741868, with internal and published modifications).

NM_000211.5(ITGB2):c.1569C>T (p.Asp523=)

Gene: ITGB2 (integrin subunit beta 2; minus strand). Cytogenetic location: 21q22.3.
Variant type: single nucleotide variant.
Coding change: c.1569C>T on transcript NM_000211.5 (MANE Select); coding-DNA position 1569, C replaced by T.
Protein change: p.Asp523=; no amino-acid change (aspartic acid 523 retained).
Molecular consequence: synonymous variant.
Genome position (GRCh38, 1-based): chr21:44,890,066, G>A on the plus strand (C>T on the coding strand, the complement: ITGB2 is on the minus strand). VCF-style: chr21-44890066-G-A. GRCh37 (hg19) VCF-style: chr21-46309981-G-A.
Other names: c.1569C>T, p.Asp523= (NM_001127491.3); c.1362C>T, p.Asp454= (NM_001303238.2); c.1569C>T (NM_000211.4).
Identifiers: ClinVar variation 1115149 (VCV001115149.12), dbSNP rs761544778, ClinGen allele CA10062785.
Genomic context (GRCh38, chr21:44,890,066, plus strand): 5'-GCGCTCACAGTTGATGGTGTCACACTCGCAGTACTGCCCGTATATCAGCTTGCCGGGGAC[G>A]TCGCTGGTGTGGCACAGGCACTGCCCGCAGACACAGTCCCCCAGCCCTGAGCAGATGATG-3'
Protein context (NP_000202.3, residues 513-533): VCGQCLCHTS[Asp523=]VPGKLIYGQY